The following is an entry in ClinVar:

ClinVar aggregate classification (germline): Benign. Review status: criteria provided, multiple submitters, no conflicts (2 of 4 stars). 15 submissions from 15 submitters: Benign (11). 4 of the submissions do not count toward it. Last evaluated 2026-02-04.

Conditions:
Walker-Warburg congenital muscular dystrophy. Also called: Muscular dystrophy-dystroglycanopathy, type A; Walker-Warburg syndrome. Identifiers: Orphanet 899, MedGen C0265221, MONDO:0000171.
Cardiovascular phenotype. Identifiers: MedGen CN230736.

Allele frequency attached by ClinVar (database versions not stated): ExAC 0.00280; 1000 Genomes Project 30x 0.00874; 1000 Genomes Project 0.00899; gnomAD 0.00920 and 0.01002; ESP Exome Variant Server 0.00984; TOPMed 0.01041.
gnomAD v4.1: 2,655 of 1,612,126 alleles (0.16%); highest among the groups gnomAD compares: African/African-American, 3.2%; 44 homozygotes.

Submissions (15):

Labcorp Genetics (formerly Invitae), Labcorp
Classification: Benign for Walker-Warburg congenital muscular dystrophy. Last evaluated: 2026-02-04. Review status: criteria provided, single submitter. Criteria: Invitae Variant Classification Sherloc (09022015). Collection method: clinical testing. Allele origin: germline.

Molecular Diagnostic Laboratory for Inherited Cardiovascular Disease, Montreal Heart Institute
Classification: Benign. Last evaluated: 2025-04-09. Review status: criteria provided, single submitter. Criteria: ACMG Guidelines, 2015. Collection method: clinical testing. Allele origin: germline. Affected: no.

ARUP Laboratories, Molecular Genetics and Genomics, ARUP Laboratories
Classification: Benign. Last evaluated: 2025-04-08. Review status: criteria provided, single submitter. Criteria: ARUP Molecular Germline Variant Investigation Process 2024. Collection method: clinical testing. Allele origin: germline.

Mayo Clinic Laboratories, Mayo Clinic
Classification: Benign. Last evaluated: 2023-02-03. Review status: criteria provided, single submitter. Criteria: ACMG Guidelines, 2015. Collection method: clinical testing. Allele origin: germline. Observed: 21 variant alleles.
Comment: BS1, BS2, BP4, BP7

Athena Diagnostics
Classification: Benign. Last evaluated: 2018-12-03. Review status: criteria provided, single submitter. Criteria: Athena Diagnostics Criteria. Collection method: clinical testing. Allele origin: germline.

Eurofins Ntd Llc (ga)
Classification: Benign. Last evaluated: 2016-08-26. Review status: criteria provided, single submitter. Criteria: EGL Classification Definitions 2015. Collection method: clinical testing. Allele origin: germline. Observed: 2 variant alleles, 2 heterozygotes.

Ambry Genetics
Classification: Benign for Cardiovascular phenotype. Last evaluated: 2015-04-20. Review status: criteria provided, single submitter. Criteria: Ambry Variant Classification Scheme 2023. Collection method: clinical testing. Allele origin: germline.

Genetic Services Laboratory, University of Chicago
Classification: Benign. Last evaluated: 2015-02-10. Review status: criteria provided, single submitter. Criteria: ACMG Guidelines, 2015. Collection method: clinical testing. Allele origin: germline.

GeneDx
Classification: Benign. Last evaluated: 2014-03-14. Review status: criteria provided, single submitter. Criteria: GeneDx Variant Classification (06012015). Collection method: clinical testing. Allele origin: germline. Affected: yes.
Comment: This variant is considered likely benign or benign based on one or more of the following criteria: it is a conservative change, it occurs at a poorly conserved position in the protein, it is predicted to be benign by multiple in silico algorithms, and/or has population frequency not consistent with disease.

Breakthrough Genomics
Classification: Benign. Review status: criteria provided, single submitter. Criteria: ACMG Guidelines, 2015. Collection method: not provided. Allele origin: germline. Inheritance: Autosomal recessive inheritance. Affected: yes.

PreventionGenetics, part of Exact Sciences
Classification: Benign. Review status: criteria provided, single submitter. Criteria: ACMG Guidelines, 2015. Collection method: clinical testing. Allele origin: germline.

Natera, Inc.
Classification: Benign for Walker-Warburg congenital muscular dystrophy. Last evaluated: 2019-12-04. Review status: no assertion criteria provided. Collection method: clinical testing. Allele origin: germline. Not counted in ClinVar's aggregate classification.

Clinical Genetics DNA and cytogenetics Diagnostics Lab, Erasmus MC, Erasmus Medical Center
Classification: Benign. Review status: no assertion criteria provided. Collection method: clinical testing. Allele origin: germline. Affected: yes. Study: VKGL Data-share Consensus. Not counted in ClinVar's aggregate classification.

Genome Diagnostics Laboratory, University Medical Center Utrecht
Classification: Benign. Review status: no assertion criteria provided. Collection method: clinical testing. Allele origin: germline. Affected: yes. Study: VKGL Data-share Consensus. Not counted in ClinVar's aggregate classification.

Laboratory of Diagnostic Genome Analysis, Leiden University Medical Center (LUMC)
Classification: Likely benign. Review status: no assertion criteria provided. Collection method: clinical testing. Allele origin: germline. Affected: yes. Study: VKGL Data-share Consensus. Not counted in ClinVar's aggregate classification.

NM_001079802.2(FKTN):c.42G>A (p.Thr14=)

Gene: FKTN (fukutin; plus strand). Cytogenetic location: 9q31.2.
Variant type: single nucleotide variant.
Coding change: c.42G>A on transcript NM_001079802.2 (MANE Select); coding-DNA position 42, G replaced by A.
Protein change: p.Thr14=; no amino-acid change (threonine 14 retained).
Molecular consequence: synonymous variant. On other transcripts: 5 prime UTR variant (5), non-coding transcript variant (2).
Genome position (GRCh38, 1-based): chr9:105,575,074, G>A. VCF-style: chr9-105575074-G-A. GRCh37 (hg19) VCF-style: chr9-108337355-G-A.
Other names: p.T14T:ACG>ACA; p.Thr14=; c.42G>A, p.Thr14= (NM_001198963.2, NM_001351496.2, NM_001351498.2 and 1 more transcripts); c.-126G>A (NM_001351497.2); c.-473G>A (NM_001351499.2, NM_001351500.2, NM_001351501.2 and 1 more transcripts).
Identifiers: ClinVar variation 93521 (VCV000093521.50), dbSNP rs78794935, ClinGen allele CA285431.
Genomic context (GRCh38, chr9:105,575,074, plus strand): 5'-AAGTGAGCAGCACAGACTAATGAGTAGAATCAATAAGAACGTGGTTTTGGCCCTTTTAAC[G>A]CTGACAAGTTCTGCATTTCTGCTGTTTCAGTTGTACTACTACAAGCACTATTTATCAACA-3'
Protein context (NP_001073270.1, residues 4-24): INKNVVLALL[Thr14=]LTSSAFLLFQ